The following is an entry in ClinVar:

ClinVar aggregate classification (germline): Pathogenic. Review status: reviewed by expert panel (3 of 4 stars). 5 submissions from 5 submitters: Pathogenic (1). 4 of the submissions do not count toward it. Last evaluated 2024-12-05.

Conditions:
Mucopolysaccharidosis, MPS-I-H/S. Also called: Mucopolysaccharidosis type IH/S. Identifiers: Orphanet 93476, MedGen C0086431, MONDO:0011759, OMIM 607015.
Mucopolysaccharidosis type 1. Also called: IDUA deficiency; MPS I; Mucopolysaccharidosis Type I. Identifiers: Orphanet 579, MedGen C0023786, MONDO:0001586.

Allele frequency attached by ClinVar (database versions not stated): gnomAD exomes below 0.00001; TOPMed below 0.00001; gnomAD 0.00001.
gnomAD v4.1: 20 of 1,610,678 alleles (0.0012%); highest among the groups gnomAD compares: Non-Finnish European, 0.0016%; no homozygotes.

Submissions (5):

ClinGen Lysosomal Storage Disorder Variant Curation Expert Panel
Classification: Pathogenic for Mucopolysaccharidosis type 1. Last evaluated: 2024-12-05. Review status: reviewed by expert panel. Criteria: ClinGen LSD ACMG Specifications IDUA V1.0.0. Collection method: curation. Allele origin: germline. Inheritance: Autosomal recessive inheritance.
Comment: The NM_000203.5:c.1728-1G>C variant in IDUA occurs within the canonical splice acceptor site of intron 12. It is predicted to cause skipping of biologically-relevant exon 13 out of 14, resulting in a frameshift leading to nonsense mediated decay in a gene in which loss-of-function is an established disease mechanism (PVS1). At least 3 patients with this variant had documented IDUA deficiency within the affected range and urinary GAG elevation above normal range (PP4; PMID: 31194252). This variant has been detected in at least 2 individuals with MPS I. Of those individuals, both were compound heterozygous for the variant and a pathogenic variant (Q70X; W402X) and neither of those were confirmed in trans (PM3; PMID: 31194252). The highest population minor allele frequency in gnomAD v4.0. is 0.00001612 (19/1178792 alleles) in the European (non-Finnish) population, which is lower than the ClinGen Lysosomal Diseases VCEP’s threshold for PM2_Supporting (<0.00025), meeting this criterion (PM2_Supporting). In summary, this variant meets the criteria to be classified as pathogenic for MPS I based on the IDUA-specific ACMG/AMP criteria applied, as specified by the ClinGen Lysosomal Diseases Variant Curation Expert panel (Specifications Version 1.0): PVS1, PP4, PM3, PM2_Supporting. (Classification approved by the ClinGen Lysosomal Diseases Variant Curation Expert Panel on December 5, 2024)

Natera, Inc.
Classification: Pathogenic for Mucopolysaccharidosis type I. Last evaluated: 2025-12-23. Review status: criteria provided, single submitter. Criteria: Natera Variant Classification Schema (03/2026). Collection method: clinical testing. Allele origin: germline. Not counted in ClinVar's aggregate classification.
Comment: The c.1728-1G>C variant in IDUA is a canonical splice acceptor site variant predicted to affect pre-mRNA splicing, which may result in an abnormal transcript and altered protein product. This variant is expected to result in nonsense mediated decay, truncation, or a dysfunctional protein product. This variant is rare in the general population with a frequency below the threshold expected for the associated phenotype(s). This variant has been observed in one or more individuals affected with the associated recessive disease, as either homozygous or compound heterozygous with a second variant (PMID: 22976768). Given the available evidence, this variant is classified as Pathogenic.

Labcorp Genetics (formerly Invitae), Labcorp
Classification: Pathogenic for Mucopolysaccharidosis type 1. Last evaluated: 2024-10-11. Review status: criteria provided, single submitter. Criteria: Invitae Variant Classification Sherloc (09022015). Collection method: clinical testing. Allele origin: germline. Not counted in ClinVar's aggregate classification.
Comment: This sequence change affects an acceptor splice site in intron 12 of the IDUA gene. It is expected to disrupt RNA splicing. Variants that disrupt the donor or acceptor splice site typically lead to a loss of protein function (PMID: 16199547), and loss-of-function variants in IDUA are known to be pathogenic (PMID: 11735025, 21480867). This variant is not present in population databases (gnomAD no frequency). Disruption of this splice site has been observed in individuals with mucopolysaccharidosis type I (PMID: 22976768, 28752568). ClinVar contains an entry for this variant (Variation ID: 556064). Algorithms developed to predict the effect of sequence changes on RNA splicing suggest that this variant may disrupt the consensus splice site. For these reasons, this variant has been classified as Pathogenic.

GeneDx
Classification: Pathogenic. Last evaluated: 2023-12-15. Review status: criteria provided, single submitter. Criteria: GeneDx Variant Classification Process June 2021. Collection method: clinical testing. Allele origin: germline. Affected: yes. Not counted in ClinVar's aggregate classification.
Comment: Canonical splice site variant in a gene for which loss-of-function is a known mechanism of disease; Not observed at significant frequency in large population cohorts (gnomAD); This variant is associated with the following publications: (PMID: 28752568, 22976768)

Myriad Genetics, Inc.
Classification: Likely pathogenic for Mucopolysaccharidosis, MPS-I-H/S. Last evaluated: 2021-11-18. Review status: criteria provided, single submitter. Criteria: Myriad Women's Health Autosomal Recessive and X-Linked Classification Criteria (2021). Collection method: clinical testing. Allele origin: unknown. Not counted in ClinVar's aggregate classification.
Comment: NM_000203.3(IDUA):c.1728-1G>C is a a canonical splice variant classified as likely pathogenic in the context of mucopolysaccharidosis type I. c.1728-1G>C has been observed in cases with relevant disease (PMID: 31194252). Functional assessments of this variant are not available in the literature. c.1728-1G>C has not been observed in population frequency databases. In summary, NM_000203.3(IDUA):c.1728-1G>C is a canonical splice variant that has been observed more frequently in cases with the relevant disease than in healthy populations. Please note: this variant was assessed in the context of healthy population screening.

Literature cited by the submitters: PubMed 22976768 (cited by Natera, Inc. and Labcorp Genetics (formerly Invitae), Labcorp); PubMed 16199547 (cited by Labcorp Genetics (formerly Invitae), Labcorp); PubMed 11735025 (cited by Labcorp Genetics (formerly Invitae), Labcorp); PubMed 21480867 (cited by Labcorp Genetics (formerly Invitae), Labcorp); PubMed 28752568 (cited by Labcorp Genetics (formerly Invitae), Labcorp); PubMed 31194252 (cited by Myriad Genetics, Inc.).

NM_000203.5(IDUA):c.1728-1G>C

Gene: IDUA (alpha-L-iduronidase; plus strand). Cytogenetic location: 4p16.3.
Variant type: single nucleotide variant.
Coding change: c.1728-1G>C on transcript NM_000203.5 (MANE Select); the canonical splice acceptor site of the intron before coding-DNA position 1728, G replaced by C.
Molecular consequence: splice acceptor variant.
Genome position (GRCh38, 1-based): chr4:1,004,011, G>C. VCF-style: chr4-1004011-G-C. GRCh37 (hg19) VCF-style: chr4-997799-G-C.
Other names: c.1728-1G>C (NM_000203.4); c.1332-1G>C (NM_001363576.1).
Identifiers: ClinVar variation 556064 (VCV000556064.22), dbSNP rs1249951282, ClinGen allele CA355965306.